The following is an entry in ClinVar:

NC_000001.10:g.(?_235611644)_(235612077_?)dup

Genes: B3GALNT2 (beta-1,3-N-acetylgalactosaminyltransferase 2; minus strand), TBCE (tubulin folding cofactor E; plus strand). Cytogenetic location: 1q42.3.
Variant type: Duplication.
Identifiers: ClinVar variation 2424654 (VCV002424654.4).

ClinVar aggregate classification (germline): Uncertain significance (1 of 4 stars; one submission).

Submission:

Labcorp Genetics (formerly Invitae), Labcorp
Classification: Uncertain significance. Last evaluated: 2022-10-25. Review status: criteria provided, single submitter. Criteria: Invitae Variant Classification Sherloc (09022015). Collection method: clinical testing. Allele origin: germline.
Comment: This variant results in a copy number gain of the genomic region encompassing exon(s) 16-17 of the TBCE gene. This region includes the termination codon of the gene. This copy number gain extends beyond the assayed region for this gene and therefore may encompass additional genes. As the precise location of this event is unknown, it may be in tandem or it may be located elsewhere in the genome. This variant has not been reported in the literature in individuals affected with TBCE-related conditions. In summary, the available evidence is currently insufficient to determine the role of this variant in disease. Therefore, it has been classified as a Variant of Uncertain Significance.